The following is an entry in ClinVar:

ClinVar aggregate classification (germline): Likely pathogenic. Review status: criteria provided, multiple submitters, no conflicts (2 of 4 stars). 4 submissions from 4 submitters: Likely pathogenic (3). 1 of the submissions does not count toward it. Last evaluated 2024-02-06.

Conditions:
AFG3L2-related disorder. Also called: AFG3L2-related condition.
Spinocerebellar ataxia type 28 (SCA28). Also called: Spinocerebellar Ataxia Type 28 (SCA28). Identifiers: Orphanet 101109, MedGen C1853249, MONDO:0012450, OMIM 610246.

Submissions (4):

GeneDx
Classification: Likely pathogenic. Last evaluated: 2024-02-06. Review status: criteria provided, single submitter. Criteria: GeneDx Variant Classification Process June 2021. Collection method: clinical testing. Allele origin: germline. Affected: yes.
Comment: In silico analysis supports that this missense variant has a deleterious effect on protein structure/function; Not observed at significant frequency in large population cohorts (gnomAD); This variant is associated with the following publications: (PMID: 24272953, 31589614, 23777634, 29482223, 28444220, 20725928)

Blueprint Genetics
Classification: Likely pathogenic for AFG3L2-related disorders. Last evaluated: 2022-06-02. Review status: criteria provided, single submitter. Criteria: ACMG Guidelines, 2015. Collection method: clinical testing. Allele origin: germline. Affected: yes. Observed: 1 variant allele.

Equipe Genetique des Anomalies du Developpement, Université de Bourgogne
Classification: Likely pathogenic for Spinocerebellar ataxia type 28. Last evaluated: 2019-06-11. Review status: criteria provided, single submitter. Criteria: ACMG Guidelines, 2015. Collection method: clinical testing. Allele origin: unknown. Affected: yes.

OMIM
Classification: Pathogenic for SPINOCEREBELLAR ATAXIA 28. Last evaluated: 2010-10-01. Review status: no assertion criteria provided. Collection method: literature only. Allele origin: germline. Not counted in ClinVar's aggregate classification.

Literature cited by the submitters: PubMed 20725928 (cited by OMIM).

NM_006796.3(AFG3L2):c.1961C>T (p.Thr654Ile)

Gene: AFG3L2 (AFG3 like matrix AAA peptidase subunit 2; minus strand). Cytogenetic location: 18p11.21.
Variant type: single nucleotide variant.
Coding change: c.1961C>T on transcript NM_006796.3 (MANE Select); coding-DNA position 1961, C replaced by T.
Protein change: p.Thr654Ile; replaces threonine 654 with isoleucine.
Molecular consequence: missense variant.
Genome position (GRCh38, 1-based): chr18:12,340,220, G>A on the plus strand (C>T on the coding strand, the complement: AFG3L2 is on the minus strand). VCF-style: chr18-12340220-G-A. GRCh37 (hg19) VCF-style: chr18-12340219-G-A.
Other names: c.1961C>T (LRG_666t1); short protein forms T654I.
Identifiers: ClinVar variation 38387 (VCV000038387.7), dbSNP rs151344513, ClinGen allele CA343030.